The following is an entry in ClinVar:

NM_014270.5(SLC7A9):c.978-26C>T

Gene: SLC7A9 (solute carrier family 7 member 9; minus strand). Cytogenetic location: 19q13.11.
Variant type: single nucleotide variant.
Coding change: c.978-26C>T on transcript NM_014270.5 (MANE Select); 26 bases into the intron before coding-DNA position 978, C replaced by T.
Molecular consequence: intron variant.
Genome position (GRCh38, 1-based): chr19:32,843,977, G>A on the plus strand (C>T on the coding strand, the complement: SLC7A9 is on the minus strand). VCF-style: chr19-32843977-G-A. GRCh37 (hg19) VCF-style: chr19-33334883-G-A.
Other names: c.978-26C>T (NM_001126335.2, NM_001243036.2).
Identifiers: ClinVar variation 3034108 (VCV003034108.2), dbSNP rs376490172, ClinGen allele CA9358544.

ClinVar aggregate classification (germline): Likely benign (0 of 4 stars; one submission).

Conditions:
SLC7A9-related disorder. Also called: SLC7A9-related condition.

Allele frequency attached by ClinVar (database versions not stated): gnomAD exomes 0.00009; ExAC 0.00021; ESP Exome Variant Server 0.00069; gnomAD 0.00069; TOPMed 0.00073; 1000 Genomes Project 0.00100; 1000 Genomes Project 30x 0.00109.
gnomAD v4.1: 231 of 1,534,112 alleles (0.015%); highest among the groups gnomAD compares: African/African-American, 0.24%; no homozygotes.

Submission:

PreventionGenetics, part of Exact Sciences
Classification: Likely benign for SLC7A9-related condition. Last evaluated: 2019-06-17. Review status: no assertion criteria provided. Collection method: clinical testing. Allele origin: germline.
Comment: This variant is classified as likely benign based on ACMG/AMP sequence variant interpretation guidelines (Richards et al. 2015 PMID: 25741868, with internal and published modifications).